The following is an entry in ClinVar:

NM_000093.5(COL5A1):c.4694C>T (p.Pro1565Leu)

Genes: COL5A1 (collagen type V alpha 1 chain; plus strand), LOC101448202 (uncharacterized LOC101448202; minus strand). Cytogenetic location: 9q34.3.
Variant type: single nucleotide variant.
Coding change: c.4694C>T on transcript NM_000093.5 (MANE Select); coding-DNA position 4694, C replaced by T.
Protein change: p.Pro1565Leu; replaces proline 1565 with leucine.
Molecular consequence: missense variant.
Genome position (GRCh38, 1-based): chr9:134,823,465, C>T. VCF-style: chr9-134823465-C-T. GRCh37 (hg19) VCF-style: chr9-137715311-C-T.
Other names: c.4694C>T, p.Pro1565Leu (NM_001278074.1); short protein forms P1565L.
Identifiers: ClinVar variation 1967323 (VCV001967323.5), dbSNP rs2490873800, ClinGen allele CA375458254.

ClinVar aggregate classification (germline): Uncertain significance (1 of 4 stars; one submission).

Conditions:
Ehlers-Danlos syndrome, classic type, 1 (EDSCL1). Also called: EHLERS-DANLOS SYNDROME, GRAVIS TYPE; EHLERS-DANLOS SYNDROME, SEVERE CLASSIC TYPE; Ehlers-Danlos syndrome, type 1; EDS I; Ehlers-Danlos Syndrome, Classic Type, COL5A1-Related. Identifiers: MedGen C0268335, MONDO:0019567, OMIM 130000.

Submission:

Labcorp Genetics (formerly Invitae), Labcorp
Classification: Uncertain significance for Ehlers-Danlos syndrome, classic type, 1. Last evaluated: 2022-07-24. Review status: criteria provided, single submitter. Criteria: Invitae Variant Classification Sherloc (09022015). Collection method: clinical testing. Allele origin: germline.
Comment: In summary, the available evidence is currently insufficient to determine the role of this variant in disease. Therefore, it has been classified as a Variant of Uncertain Significance. Advanced modeling of protein sequence and biophysical properties (such as structural, functional, and spatial information, amino acid conservation, physicochemical variation, residue mobility, and thermodynamic stability) performed at Invitae indicates that this missense variant is not expected to disrupt COL5A1 protein function. This variant has not been reported in the literature in individuals affected with COL5A1-related conditions. This variant is not present in population databases (gnomAD no frequency). This sequence change replaces proline, which is neutral and non-polar, with leucine, which is neutral and non-polar, at codon 1565 of the COL5A1 protein (p.Pro1565Leu).